The following is an entry in ClinVar:

ClinVar aggregate classification (germline): Benign/Likely benign. Review status: criteria provided, multiple submitters, no conflicts (2 of 4 stars). 3 submissions from 3 submitters: Benign (1); Likely benign (2). Last evaluated 2025-09-16.

Conditions:
Hereditary cancer-predisposing syndrome. Also called: Hereditary neoplastic syndrome; Neoplastic Syndromes, Hereditary; Tumor predisposition; Hereditary Cancer Syndrome. Identifiers: Orphanet 140162, MedGen C0027672, MeSH D009386, MONDO:0015356.
Fanconi anemia complementation group J. Also called: BRIP1-Related Fanconi Anemia. Identifiers: Orphanet 84, MedGen C1836860, MONDO:0012187, OMIM 609054.
Familial cancer of breast. Also called: BREAST CANCER, FAMILIAL; hereditary breast carcinoma; Hereditary breast cancer. Identifiers: Orphanet 227535, MedGen C0346153, MONDO:0016419, OMIM 114480. Disease mechanism: loss of function.

Submissions (3):

Labcorp Genetics (formerly Invitae), Labcorp
Classification: Likely benign for Familial cancer of breast; Fanconi anemia complementation group J. Last evaluated: 2025-09-16. Review status: criteria provided, single submitter. Criteria: Invitae Variant Classification Sherloc (09022015). Collection method: clinical testing. Allele origin: germline.

Myriad Genetics, Inc.
Classification: Benign for Familial cancer of breast. Last evaluated: 2024-09-10. Review status: criteria provided, single submitter. Criteria: Myriad Autosomal Dominant, Autosomal Recessive and X-Linked Classification Criteria (2023). Collection method: clinical testing. Allele origin: unknown.
Comment: This variant is considered benign. This variant is a silent/synonymous amino acid change and it is not expected to impact splicing.

Ambry Genetics
Classification: Likely benign for Hereditary cancer-predisposing syndrome. Last evaluated: 2022-10-12. Review status: criteria provided, single submitter. Criteria: Ambry Variant Classification Scheme 2023. Collection method: clinical testing. Allele origin: germline.

NM_032043.3(BRIP1):c.3504A>G (p.Lys1168=)

Gene: BRIP1 (BRCA1 interacting DNA helicase 1; minus strand). Cytogenetic location: 17q23.2.
Variant type: single nucleotide variant.
Coding change: c.3504A>G on transcript NM_032043.3 (MANE Select); coding-DNA position 3504, A replaced by G.
Protein change: p.Lys1168=; no amino-acid change (lysine 1168 retained).
Molecular consequence: synonymous variant.
Genome position (GRCh38, 1-based): chr17:61,683,542, T>C on the plus strand (A>G on the coding strand, the complement: BRIP1 is on the minus strand). VCF-style: chr17-61683542-T-C. GRCh37 (hg19) VCF-style: chr17-59760903-T-C.
Identifiers: ClinVar variation 461153 (VCV000461153.15), dbSNP rs1259866317, ClinGen allele CA501335273.